The following is an entry in ClinVar:

NM_001845.6(COL4A1):c.3574G>C (p.Gly1192Arg)

Gene: COL4A1 (collagen type IV alpha 1 chain; minus strand). Cytogenetic location: 13q34.
Variant type: single nucleotide variant.
Coding change: c.3574G>C on transcript NM_001845.6 (MANE Select); coding-DNA position 3574, G replaced by C.
Protein change: p.Gly1192Arg; replaces glycine 1192 with arginine.
Molecular consequence: missense variant.
Genome position (GRCh38, 1-based): chr13:110,170,715, C>G on the plus strand (G>C on the coding strand, the complement: COL4A1 is on the minus strand). VCF-style: chr13-110170715-C-G. GRCh37 (hg19) VCF-style: chr13-110823062-C-G.
Other names: short protein forms G1192R.
Identifiers: ClinVar variation 1319222 (VCV001319222.10), dbSNP rs2139156269, ClinGen allele CA388663441.
Genomic context (GRCh38, chr13:110,170,715, plus strand): 5'-TGAATCCTTGCTCTCCTTTGGATCCAGGAATTCCTGGGCTCCCGGCTAATCCTGGGAAAC[C>G]CACCTCACCCTTTGAACCTGAACAAGAAAAACAGTTTGAGGTGATGGGAAACGCAGCAGC-3'
Protein context (NP_001836.3, residues 1182-1202): KGDKGSKGEV[Gly1192Arg]FPGLAGSPGI

ClinVar aggregate classification (germline): Conflicting classifications of pathogenicity. Review status: criteria provided, conflicting classifications (1 of 4 stars). 2 submissions from 2 submitters: Likely pathogenic (1); Uncertain significance (1). Last evaluated 2022-11-01.

Submissions (2):

Labcorp Genetics (formerly Invitae), Labcorp
Classification: Likely pathogenic. Last evaluated: 2022-11-01. Review status: criteria provided, single submitter. Criteria: Invitae Variant Classification Sherloc (09022015). Collection method: clinical testing. Allele origin: germline.
Comment: In summary, the currently available evidence indicates that the variant is pathogenic, but additional data are needed to prove that conclusively. Therefore, this variant has been classified as Likely Pathogenic. This variant disrupts the triple helix domain of COL4A1. Glycine residues within the Gly-Xaa-Yaa repeats of the triple helix domain are required for the structure and stability of fibrillar collagens (PMID: 7695699, 8218237, 19344236). In COL4A1 variants affecting these glycine residues are significantly enriched in individuals with disease (PMID: 9016532, 17078022) compared to the general population (ExAC). Algorithms developed to predict the effect of missense changes on protein structure and function (SIFT, PolyPhen-2, Align-GVGD) all suggest that this variant is likely to be disruptive. ClinVar contains an entry for this variant (Variation ID: 1319222). This variant has not been reported in the literature in individuals affected with COL4A1-related conditions. This variant is not present in population databases (gnomAD no frequency). This sequence change replaces glycine, which is neutral and non-polar, with arginine, which is basic and polar, at codon 1192 of the COL4A1 protein (p.Gly1192Arg).

Institute for Clinical Genetics, University Hospital TU Dresden, University Hospital TU Dresden
Classification: Uncertain significance. Last evaluated: 2021-11-03. Review status: criteria provided, single submitter. Criteria: ACMG Guidelines, 2015. Collection method: clinical testing. Allele origin: germline.

Literature cited by the submitters: PubMed 7695699 (cited by Labcorp Genetics (formerly Invitae), Labcorp); PubMed 8218237 (cited by Labcorp Genetics (formerly Invitae), Labcorp); PubMed 19344236 (cited by Labcorp Genetics (formerly Invitae), Labcorp); PubMed 9016532 (cited by Labcorp Genetics (formerly Invitae), Labcorp); PubMed 17078022 (cited by Labcorp Genetics (formerly Invitae), Labcorp).